The following is an entry in ClinVar:

NM_001023.4(RPS20):c.-39C>T

Gene: RPS20 (ribosomal protein S20; minus strand). Cytogenetic location: 8q12.1.
Variant type: single nucleotide variant.
Coding change: c.-39C>T on transcript NM_001023.4 (MANE Select); 39 bases upstream of the start codon, C replaced by T.
Molecular consequence: 5 prime UTR variant.
Genome position (GRCh38, 1-based): chr8:56,074,422, G>A on the plus strand (C>T on the coding strand, the complement: RPS20 is on the minus strand). VCF-style: chr8-56074422-G-A. GRCh37 (hg19) VCF-style: chr8-56986981-G-A.
Other names: c.-39C>T (NM_001146227.3).
Identifiers: ClinVar variation 4539378 (VCV004539378.1).

ClinVar aggregate classification (germline): Likely benign (1 of 4 stars; one submission).

gnomAD v4.1: 16 of 1,550,872 alleles (0.001%); highest among the groups gnomAD compares: Middle Eastern, 0.018%; no homozygotes.

Submission:

Center for Genomic Medicine, Rigshospitalet, Copenhagen University Hospital
Classification: Likely benign. Last evaluated: 2025-12-29. Review status: criteria provided, single submitter. Criteria: ACMG Guidelines, 2015. Collection method: clinical testing. Allele origin: germline.
Comment: Classification criteria: BP4